The following is an entry in ClinVar:

ClinVar aggregate classification (germline): Pathogenic (1 of 4 stars; one submission).

Submission:

GeneDx
Classification: Pathogenic. Last evaluated: 2017-09-13. Review status: criteria provided, single submitter. Criteria: GeneDx Variant Classification (06012015). Collection method: clinical testing. Allele origin: germline. Affected: yes.
Comment: The c.14_25del12insC variant in the PURA gene has not been reported previously as a pathogenic variant nor as a benign variant, to our knowledge. This variant causes a frameshift starting with codon Aspartic acid 5, changes this amino acid to an Alanine residue, and creates a premature Stop codon at position 192 of the new reading frame, denoted p.Asp5AlafsX192. This variant is predicted to cause loss of normal protein function through protein truncation. Although no data are available from control populations to assess the frequency of this variant, we interpret c.14_25del12insC as a pathogenic variant.

NM_005859.5(PURA):c.14_25delinsC (p.Asp5fs)

Gene: PURA (purine rich element binding protein A; plus strand). Cytogenetic location: 5q31.3.
Variant type: Indel.
Coding change: c.14_25delinsC on transcript NM_005859.5 (MANE Select); coding-DNA positions 14 to 25, ACAGCGGCAGCG replaced by C.
Protein change: p.Asp5fs; shifts the reading frame from aspartic acid 5.
Molecular consequence: frameshift variant.
Genome position (GRCh38, 1-based): chr5:140,114,195-140,114,206, ACAGCGGCAGCG replaced by C. VCF-style: chr5-140114195-ACAGCGGCAGCG-C. GRCh37 (hg19) VCF-style: chr5-139493780-ACAGCGGCAGCG-C.
Other names: short protein forms D5fs.
Identifiers: ClinVar variation 452213 (VCV000452213.2), dbSNP rs1554129000, ClinGen allele CA658657545.